The following is an entry in ClinVar:

ClinVar aggregate classification (germline): Likely pathogenic (1 of 4 stars; one submission).

Conditions:
Early-infantile DEE. Also called: Early infantile epileptic encephalopathy; Early infantile epileptic encephalopathy with suppression bursts; Ohtahara syndrome. Identifiers: Orphanet 1934, MedGen C0393706, MONDO:0800491.

Submission:

Labcorp Genetics (formerly Invitae), Labcorp
Classification: Likely pathogenic for Early-infantile DEE. Last evaluated: 2026-01-19. Review status: criteria provided, single submitter. Criteria: Invitae Variant Classification Sherloc (09022015). Collection method: clinical testing. Allele origin: germline.
Comment: This sequence change affects an acceptor splice site in intron 17 of the SCN1A gene. It is expected to disrupt RNA splicing. Variants that disrupt the donor or acceptor splice site typically lead to a loss of protein function (PMID: 16199547), and loss-of-function variants in SCN1A are known to be pathogenic (PMID: 17347258, 18930999). This variant is not present in population databases (gnomAD no frequency). This variant has not been reported in the literature in individuals affected with SCN1A-related conditions. Algorithms developed to predict the effect of sequence changes on RNA splicing suggest that this variant may disrupt the consensus splice site. In summary, the currently available evidence indicates that the variant is pathogenic, but additional data are needed to prove that conclusively. Therefore, this variant has been classified as Likely Pathogenic.

Literature cited by the submitters: PubMed 16199547; PubMed 17347258; PubMed 18930999.

NM_001165963.4(SCN1A):c.3551-2A>G

Genes: SCN1A (sodium voltage-gated channel alpha subunit 1; minus strand), LOC102724058 (uncharacterized LOC102724058; plus strand). Cytogenetic location: 2q24.3.
Variant type: single nucleotide variant.
Coding change: c.3551-2A>G on transcript NM_001165963.4 (MANE Select); the canonical splice acceptor site of the intron before coding-DNA position 3551, A replaced by G.
Molecular consequence: splice acceptor variant.
Genome position (GRCh38, 1-based): chr2:166,013,900, T>C on the plus strand (A>G on the coding strand, the complement: SCN1A is on the minus strand). VCF-style: chr2-166013900-T-C. GRCh37 (hg19) VCF-style: chr2-166870410-T-C.
Other names: c.3518-2A>G (NM_001353949.2, NM_001353950.2, NM_001353951.2 and 2 more transcripts); c.3467-2A>G (NM_001353958.2, NM_001353957.2, NM_001165964.3); c.3551-2A>G (NM_001202435.3, NM_001353948.2); c.3515-2A>G (NM_001353955.2, NM_001353954.2); c.3464-2A>G (NM_001353960.2); c.1109-2A>G (NM_001353961.2).
Identifiers: ClinVar variation 4735721 (VCV004735721.1).